The following is an entry in ClinVar:

ClinVar aggregate classification (germline): Pathogenic (1 of 4 stars; one submission).

Allele frequency attached by ClinVar (database versions not stated): gnomAD exomes below 0.00001 and 0.00001; gnomAD 0.00001; TOPMed 0.00001; ExAC 0.00002; ESP Exome Variant Server 0.00008; 1000 Genomes Project 30x 0.00016; 1000 Genomes Project 0.00020.
gnomAD v4.1: 4 of 1,612,042 alleles (0.00025%); highest among the groups gnomAD compares: African/African-American, 0.0013%; no homozygotes.

Submission:

Labcorp Genetics (formerly Invitae), Labcorp
Classification: Pathogenic. Last evaluated: 2024-11-23. Review status: criteria provided, single submitter. Criteria: Invitae Variant Classification Sherloc (09022015). Collection method: clinical testing. Allele origin: germline.
Comment: This sequence change creates a premature translational stop signal (p.Arg2008*) in the ATR gene. It is expected to result in an absent or disrupted protein product. Loss-of-function variants in ATR are known to be pathogenic (PMID: 21228398, 23144622). This variant is present in population databases (rs148465901, gnomAD 0.01%). This variant has not been reported in the literature in individuals affected with ATR-related conditions. ClinVar contains an entry for this variant (Variation ID: 1452399). Algorithms developed to predict the effect of sequence changes on RNA splicing suggest that this variant may disrupt the consensus splice site. For these reasons, this variant has been classified as Pathogenic.

Literature cited by the submitters: PubMed 21228398; PubMed 23144622.

NM_001184.4(ATR):c.6022C>T (p.Arg2008Ter)

Gene: ATR (ATR checkpoint kinase; minus strand). Cytogenetic location: 3q23.
Variant type: single nucleotide variant.
Coding change: c.6022C>T on transcript NM_001184.4 (MANE Select); coding-DNA position 6022, C replaced by T.
Protein change: p.Arg2008Ter; replaces arginine 2008 with a stop codon.
Molecular consequence: nonsense.
Genome position (GRCh38, 1-based): chr3:142,493,188, G>A on the plus strand (C>T on the coding strand, the complement: ATR is on the minus strand). VCF-style: chr3-142493188-G-A. GRCh37 (hg19) VCF-style: chr3-142212030-G-A.
Other names: c.5830C>T, p.Arg1944Ter (NM_001354579.2); short protein forms R1944*, R2008*.
Identifiers: ClinVar variation 1452399 (VCV001452399.6), dbSNP rs148465901, ClinGen allele CA2649437.